The following is an entry in ClinVar:

ClinVar aggregate classification (germline): Uncertain significance. Review status: criteria provided, multiple submitters, no conflicts (2 of 4 stars). 2 submissions from 2 submitters: Uncertain significance (2). Last evaluated 2024-10-02.

Conditions:
Inborn genetic diseases. Identifiers: MedGen C0950123, MeSH D030342.

Allele frequency attached by ClinVar (database versions not stated): ExAC 0.00004; ESP Exome Variant Server 0.00008; TOPMed 0.00008; gnomAD 0.00013 and 0.00014.
gnomAD v4.1: 73 of 1,613,796 alleles (0.0045%); highest among the groups gnomAD compares: Admixed American, 0.027%; no homozygotes.

Submissions (2):

Labcorp Genetics (formerly Invitae), Labcorp
Classification: Uncertain significance. Last evaluated: 2024-10-02. Review status: criteria provided, single submitter. Criteria: Invitae Variant Classification Sherloc (09022015). Collection method: clinical testing. Allele origin: germline.
Comment: This sequence change replaces valine, which is neutral and non-polar, with isoleucine, which is neutral and non-polar, at codon 1590 of the MYO18B protein (p.Val1590Ile). This variant is present in population databases (rs372589915, gnomAD 0.1%). This variant has not been reported in the literature in individuals affected with MYO18B-related conditions. ClinVar contains an entry for this variant (Variation ID: 1363372). An algorithm developed to predict the effect of missense changes on protein structure and function (PolyPhen-2) suggests that this variant¬†is likely to be tolerated. In summary, the available evidence is currently insufficient to determine the role of this variant in disease. Therefore, it has been classified as a Variant of Uncertain Significance.

Ambry Genetics
Classification: Uncertain significance for Inborn genetic diseases. Last evaluated: 2024-06-28. Review status: criteria provided, single submitter. Criteria: Ambry Variant Classification Scheme 2023. Collection method: clinical testing. Allele origin: germline.

NM_032608.7(MYO18B):c.4768G>A (p.Val1590Ile)

Genes: MYO18B (myosin XVIIIB; plus strand), MYO18B-AS1 (MYO18B antisense RNA 1; minus strand). Cytogenetic location: 22q12.1.
Variant type: single nucleotide variant.
Coding change: c.4768G>A on transcript NM_032608.7 (MANE Select); coding-DNA position 4768, G replaced by A.
Protein change: p.Val1590Ile; replaces valine 1590 with isoleucine.
Molecular consequence: missense variant.
Genome position (GRCh38, 1-based): chr22:25,898,406, G>A. VCF-style: chr22-25898406-G-A. GRCh37 (hg19) VCF-style: chr22-26294373-G-A.
Other names: c.4771G>A, p.Val1591Ile (NM_001318245.2); c.4768G>A (NM_032608.5); short protein forms V1590I, V1591I.
Identifiers: ClinVar variation 1363372 (VCV001363372.8), dbSNP rs372589915, ClinGen allele CA10160977.